The following is an entry in ClinVar:

ClinVar aggregate classification (germline): Uncertain significance (1 of 4 stars; one submission).

gnomAD v4.1: 3 of 1,602,982 alleles (0.00019%); highest among the groups gnomAD compares: Non-Finnish European, 0.000085%; no homozygotes.

Submission:

Labcorp Genetics (formerly Invitae), Labcorp
Classification: Uncertain significance. Last evaluated: 2020-10-19. Review status: criteria provided, single submitter. Criteria: Invitae Variant Classification Sherloc (09022015). Collection method: clinical testing. Allele origin: germline.
Comment: In summary, the available evidence is currently insufficient to determine the role of this variant in disease. Therefore, it has been classified as a Variant of Uncertain Significance. Algorithms developed to predict the effect of missense changes on protein structure and function are either unavailable or do not agree on the potential impact of this missense change (SIFT: "Not Available"; PolyPhen-2: "Benign"; Align-GVGD: "Not Available"). This variant has not been reported in the literature in individuals with TRIO-related conditions. This variant is not present in population databases (ExAC no frequency). This sequence change replaces arginine with cysteine at codon 2515 of the TRIO protein (p.Arg2515Cys). The arginine residue is highly conserved and there is a large physicochemical difference between arginine and cysteine.

NM_007118.4(TRIO):c.7543C>T (p.Arg2515Cys)

Gene: TRIO (trio Rho guanine nucleotide exchange factor; plus strand). Cytogenetic location: 5p15.2.
Variant type: single nucleotide variant.
Coding change: c.7543C>T on transcript NM_007118.4 (MANE Select); coding-DNA position 7543, C replaced by T.
Protein change: p.Arg2515Cys; replaces arginine 2515 with cysteine.
Molecular consequence: missense variant.
Genome position (GRCh38, 1-based): chr5:14,488,171, C>T. VCF-style: chr5-14488171-C-T. GRCh37 (hg19) VCF-style: chr5-14488280-C-T.
Other names: short protein forms R2515C.
Identifiers: ClinVar variation 1021003 (VCV001021003.6), dbSNP rs766894115, ClinGen allele CA359237656.